The following is an entry in ClinVar:

ClinVar aggregate classification (germline): Likely benign. Review status: criteria provided, multiple submitters, no conflicts (2 of 4 stars). 3 submissions from 3 submitters: Likely benign (3). Last evaluated 2026-01-17.

Conditions:
Developmental and epileptic encephalopathy, 23 (DEE23). Also called: Epileptic encephalopathy, early infantile, 23. Identifiers: Orphanet 411986, MedGen C4014492, MONDO:0014371, OMIM 615859.

Allele frequency attached by ClinVar (database versions not stated): gnomAD exomes 0.00009 and 0.00013; ExAC 0.00017; TOPMed 0.00017; gnomAD 0.00018 and 0.00019; 1000 Genomes Project 30x 0.00031; 1000 Genomes Project 0.00040; ESP Exome Variant Server 0.00054.

Submissions (3):

Labcorp Genetics (formerly Invitae), Labcorp
Classification: Likely benign for Developmental and epileptic encephalopathy, 23. Last evaluated: 2026-01-17. Review status: criteria provided, single submitter. Criteria: Invitae Variant Classification Sherloc (09022015). Collection method: clinical testing. Allele origin: germline.

CeGaT Center for Human Genetics Tuebingen
Classification: Likely benign. Last evaluated: 2025-12-01. Review status: criteria provided, single submitter. Criteria: CeGaT Center For Human Genetics Tuebingen Variant Classification Criteria Version 2. Collection method: clinical testing. Allele origin: germline. Affected: yes. Observed: 1 variant allele.
Comment: DOCK7: BP4, BP7

Blueprint Genetics
Classification: Likely benign. Last evaluated: 2024-09-20. Review status: criteria provided, single submitter. Criteria: ACMG Guidelines, 2015. Collection method: clinical testing. Allele origin: germline.

NM_001367561.1(DOCK7):c.5643C>T (p.Tyr1881=)

Gene: DOCK7 (dedicator of cytokinesis 7; minus strand). Cytogenetic location: 1p31.3.
Variant type: single nucleotide variant.
Coding change: c.5643C>T on transcript NM_001367561.1 (MANE Select); coding-DNA position 5643, C replaced by T.
Protein change: p.Tyr1881=; no amino-acid change (tyrosine 1881 retained).
Molecular consequence: synonymous variant.
Genome position (GRCh38, 1-based): chr1:62,476,148, G>A on the plus strand (C>T on the coding strand, the complement: DOCK7 is on the minus strand). VCF-style: chr1-62476148-G-A. GRCh37 (hg19) VCF-style: chr1-62941819-G-A.
Other names: c.5610C>T, p.Tyr1870= (NM_001271999.2); c.5523C>T, p.Tyr1841= (NM_001272000.2); c.5517C>T, p.Tyr1839= (NM_001272001.2); c.5616C>T, p.Tyr1872= (NM_001330614.2); c.5550C>T, p.Tyr1850= (NM_033407.4).
Identifiers: ClinVar variation 1145028 (VCV001145028.15), dbSNP rs151223176, ClinGen allele CA885376.
Genomic context (GRCh38, chr1:62,476,148, plus strand): 5'-CTTGTCTACAGGATTAGAGTCTTTGATTACTTCAACCACATCCTCTCCAAATCTTTCTCC[G>A]TAAAATCCCTACAATAAAGAAAAAGAAACATTTTATATGAAGTTAAAAAGACTGCGAAAT-3'
Protein context (NP_001354490.1, residues 1871-1891): AEISHRLEGF[Tyr1881=]GERFGEDVVE